The following is an entry in ClinVar:

NM_001127198.5(TMC6):c.1441C>A (p.Leu481Ile)

Gene: TMC6 (transmembrane channel like 6; minus strand). Cytogenetic location: 17q25.3.
Variant type: single nucleotide variant.
Coding change: c.1441C>A on transcript NM_001127198.5 (MANE Select); coding-DNA position 1441, C replaced by A.
Protein change: p.Leu481Ile; replaces leucine 481 with isoleucine.
Molecular consequence: missense variant. On other transcripts: non-coding transcript variant (4).
Genome position (GRCh38, 1-based): chr17:78,121,107, G>T on the plus strand (C>A on the coding strand, the complement: TMC6 is on the minus strand). VCF-style: chr17-78121107-G-T. GRCh37 (hg19) VCF-style: chr17-76117188-G-T.
Other names: c.1441C>A, p.Leu481Ile (NM_001321185.1, NM_001374593.1, NM_001374594.1 and 4 more transcripts); short protein forms L481I.
Identifiers: ClinVar variation 642896 (VCV000642896.8), dbSNP rs1598851806, ClinGen allele CA401228468.

ClinVar aggregate classification (germline): Uncertain significance (1 of 4 stars; one submission).

Conditions:
Epidermodysplasia verruciformis. Identifiers: Orphanet 302, MedGen C0014522, MONDO:0009176.

Submission:

Labcorp Genetics (formerly Invitae), Labcorp
Classification: Uncertain significance for Epidermodysplasia verruciformis. Last evaluated: 2018-07-12. Review status: criteria provided, single submitter. Criteria: Invitae Variant Classification Sherloc (09022015). Collection method: clinical testing. Allele origin: germline.
Comment: In summary, the available evidence is currently insufficient to determine the role of this variant in disease. Therefore, it has been classified as a Variant of Uncertain Significance. Algorithms developed to predict the effect of missense changes on protein structure and function output the following: SIFT: "Tolerated"; PolyPhen-2: "Benign"; Align-GVGD: "Class C0". The isoleucine amino acid residue is found in multiple mammalian species, suggesting that this missense change does not adversely affect protein function. These predictions have not been confirmed by published functional studies and their clinical significance is uncertain. This variant has not been reported in the literature in individuals with TMC6-related disease. This variant is not present in population databases (ExAC no frequency). This sequence change replaces leucine with isoleucine at codon 481 of the TMC6 protein (p.Leu481Ile). The leucine residue is weakly conserved and there is a small physicochemical difference between leucine and isoleucine.